The following is an entry in ClinVar:

NM_001134831.2(AHI1):c.3364C>T (p.Arg1122Ter)

Gene: AHI1 (Abelson helper integration site 1; minus strand). Cytogenetic location: 6q23.3.
Variant type: single nucleotide variant.
Coding change: c.3364C>T on transcript NM_001134831.2 (MANE Select); coding-DNA position 3364, C replaced by T.
Protein change: p.Arg1122Ter; replaces arginine 1122 with a stop codon.
Molecular consequence: nonsense.
Genome position (GRCh38, 1-based): chr6:135,318,581, G>A on the plus strand (C>T on the coding strand, the complement: AHI1 is on the minus strand). VCF-style: chr6-135318581-G-A. GRCh37 (hg19) VCF-style: chr6-135639719-G-A.
Other names: c.3364C>T, p.Arg1122Ter (NM_001134830.2, NM_001350503.2, NM_001350504.2 and 1 more transcripts); short protein forms R1122*.
Identifiers: ClinVar variation 867054 (VCV000867054.10), dbSNP rs1487081231, ClinGen allele CA365844346.

ClinVar aggregate classification (germline): Pathogenic/Likely pathogenic. Review status: criteria provided, multiple submitters, no conflicts (2 of 4 stars). 2 submissions from 2 submitters: Pathogenic (1); Likely pathogenic (1). Last evaluated 2025-09-03.

Conditions:
Joubert syndrome. Also called: JOUBERT-BOLTSHAUSER SYNDROME; Familial aplasia of the vermis. Identifiers: Orphanet 475, MedGen C5979921, MONDO:0018772.
AHI1-related disorder. Also called: AHI1-related condition.

Allele frequency attached by ClinVar (database versions not stated): gnomAD exomes 0.00001 and 0.00002.
gnomAD v4.1: 19 of 1,605,328 alleles (0.0012%); highest among the groups gnomAD compares: Non-Finnish European, 0.0016%; no homozygotes.

Submissions (2):

Labcorp Genetics (formerly Invitae), Labcorp
Classification: Pathogenic for Joubert syndrome. Last evaluated: 2025-09-03. Review status: criteria provided, single submitter. Criteria: Invitae Variant Classification Sherloc (09022015). Collection method: clinical testing. Allele origin: germline.
Comment: This sequence change creates a premature translational stop signal (p.Arg1122*) in the AHI1 gene. It is expected to result in an absent or disrupted protein product. Loss-of-function variants in AHI1 are known to be pathogenic (PMID: 15322546, 16453322, 28442542, 29186038). The frequency data for this variant in the population databases is considered unreliable, as metrics indicate poor data quality at this position in the gnomAD database. This variant has not been reported in the literature in individuals affected with AHI1-related conditions. ClinVar contains an entry for this variant (Variation ID: 867054). For these reasons, this variant has been classified as Pathogenic.

Blueprint Genetics
Classification: Likely pathogenic for AHI1-related disorders. Last evaluated: 2022-10-28. Review status: criteria provided, single submitter. Criteria: ACMG Guidelines, 2015. Collection method: clinical testing. Allele origin: germline. Affected: yes. Observed: 5 variant alleles.

Literature cited by the submitters: PubMed 15322546 (cited by Labcorp Genetics (formerly Invitae), Labcorp); PubMed 16453322 (cited by Labcorp Genetics (formerly Invitae), Labcorp); PubMed 28442542 (cited by Labcorp Genetics (formerly Invitae), Labcorp); PubMed 29186038 (cited by Labcorp Genetics (formerly Invitae), Labcorp).